The following is an entry in ClinVar:

ClinVar aggregate classification (germline): Likely pathogenic (1 of 4 stars; one submission).

Allele frequency attached by ClinVar (database versions not stated): TOPMed 0.00001.

Submission:

Labcorp Genetics (formerly Invitae), Labcorp
Classification: Likely pathogenic. Last evaluated: 2024-01-01. Review status: criteria provided, single submitter. Criteria: Invitae Variant Classification Sherloc (09022015). Collection method: clinical testing. Allele origin: germline.
Comment: This sequence change affects a donor splice site in intron 6 of the DONSON gene. It is expected to disrupt RNA splicing. Variants that disrupt the donor or acceptor splice site typically lead to a loss of protein function (PMID: 16199547), and loss-of-function variants in DONSON are known to be pathogenic (PMID: 28191891, 28630177). This variant is not present in population databases (gnomAD no frequency). This variant has not been reported in the literature in individuals affected with DONSON-related conditions. Algorithms developed to predict the effect of sequence changes on RNA splicing suggest that this variant may disrupt the consensus splice site. In summary, the currently available evidence indicates that the variant is pathogenic, but additional data are needed to prove that conclusively. Therefore, this variant has been classified as Likely Pathogenic.

Literature cited by the submitters: PubMed 16199547; PubMed 28191891; PubMed 28630177.

NM_017613.4(DONSON):c.1046+2T>C

Gene: DONSON (DNA replication fork stabilization factor DONSON; minus strand). Cytogenetic location: 21q22.11.
Variant type: single nucleotide variant.
Coding change: c.1046+2T>C on transcript NM_017613.4 (MANE Select); the canonical splice donor site of the intron after coding-DNA position 1046, T replaced by C.
Molecular consequence: splice donor variant.
Genome position (GRCh38, 1-based): chr21:33,582,163, A>G on the plus strand (T>C on the coding strand, the complement: DONSON is on the minus strand). VCF-style: chr21-33582163-A-G. GRCh37 (hg19) VCF-style: chr21-34954469-A-G.
Identifiers: ClinVar variation 2878141 (VCV002878141.3), dbSNP rs2086519334, ClinGen allele CA410135074.
Genomic context (GRCh38, chr21:33,582,163, plus strand): 5'-TGCAAATCTATTTCATGAGTCCATAAGTCAGTGGATGATATAAAGTTATTTTAATCACAT[A>G]CTCCCCATATCCCAAGCTTGTTCCAGATGCTGTCTCCTTCTTATGGCCACTTTCTTTTAT-3'